The following is an entry in ClinVar:

NM_000256.3(MYBPC3):c.446C>G (p.Ala149Gly)

Gene: MYBPC3 (myosin binding protein C3; minus strand). Cytogenetic location: 11p11.2.
Variant type: single nucleotide variant.
Coding change: c.446C>G on transcript NM_000256.3 (MANE Select); coding-DNA position 446, C replaced by G.
Protein change: p.Ala149Gly; replaces alanine 149 with glycine.
Molecular consequence: missense variant.
Genome position (GRCh38, 1-based): chr11:47,350,073, G>C on the plus strand (C>G on the coding strand, the complement: MYBPC3 is on the minus strand). VCF-style: chr11-47350073-G-C. GRCh37 (hg19) VCF-style: chr11-47371624-G-C.
Other names: short protein forms A149G.
Identifiers: ClinVar variation 1332361 (VCV001332361.4), dbSNP rs779493486, ClinGen allele CA380338790.

ClinVar aggregate classification (germline): Uncertain significance. Review status: criteria provided, multiple submitters, no conflicts (2 of 4 stars). 2 submissions from 2 submitters: Uncertain significance (2). Last evaluated 2024-03-07.

Conditions:
Cardiomyopathy (CMYO). Also called: Cardiomyopathies. Identifiers: Orphanet 167848, MedGen C0878544, MONDO:0004994, HP:0001638. Inheritance: Various modes of inheritance.
Hypertrophic cardiomyopathy. Also called: HYPERTROPHIC MYOCARDIOPATHY. Identifiers: Orphanet 217569, MedGen C0007194, MeSH D002312, MONDO:0005045, HP:0001639.

gnomAD v4.1: 2 of 1,562,080 alleles (0.00013%); highest among the groups gnomAD compares: Non-Finnish European, 0.00017%; no homozygotes.

Submissions (2):

Color Diagnostics, LLC DBA Color Health
Classification: Uncertain significance for Cardiomyopathy. Last evaluated: 2024-03-07. Review status: criteria provided, single submitter. Criteria: ACMG Guidelines, 2015. Collection method: clinical testing. Allele origin: germline.
Comment: This missense variant replaces alanine with glycine at codon 149 of the MYBPC3 protein. Computational prediction suggests that this variant may not impact protein structure and function (internally defined REVEL score threshold <= 0.5, PMID: 27666373). To our knowledge, functional studies have not been reported for this variant. This variant has not been reported in individuals affected with cardiovascular disorders in the literature. This variant has been identified in 1/170484 chromosomes in the general population by the Genome Aggregation Database (gnomAD). The available evidence is insufficient to determine the role of this variant in disease conclusively. Therefore, this variant is classified as a Variant of Uncertain Significance.

All of Us Research Program, National Institutes of Health
Classification: Uncertain significance for Hypertrophic cardiomyopathy. Last evaluated: 2023-11-30. Review status: criteria provided, single submitter. Criteria: ACMG Guidelines, 2015. Collection method: clinical testing. Allele origin: germline. Inheritance: Autosomal dominant inheritance. Observed: 1 variant allele, 1 heterozygote.
Comment: This missense variant replaces alanine with glycine at codon 149 of the MYBPC3 protein. Computational prediction suggests that this variant may not impact protein structure and function (internally defined REVEL score threshold <= 0.5, PMID: 27666373). To our knowledge, functional studies have not been reported for this variant. This variant has not been reported in individuals affected with cardiovascular disorders in the literature. This variant has been identified in 1/170484 chromosomes in the general population by the Genome Aggregation Database (gnomAD). The available evidence is insufficient to determine the role of this variant in disease conclusively. Therefore, this variant is classified as a Variant of Uncertain Significance.

This study involves interpretation of variants in research participants for the purpose of population health screening. Participant phenotype was not available at the time of variant classification. Additional details can be found in publication PMID: 35346344, PMCID: PMC8962531